The following is an entry in ClinVar:

ClinVar aggregate classification (germline): Uncertain significance. Review status: criteria provided, multiple submitters, no conflicts (2 of 4 stars). 10 submissions from 10 submitters: Uncertain significance (9). 1 of the submissions does not count toward it. Last evaluated 2026-01-19.

Conditions:
Cardiovascular phenotype. Identifiers: MedGen CN230736.
MYH7-related skeletal myopathy. Also called: Myopathy, distal, 1; Laing distal myopathy; Laing early-onset distal myopathy; MYOPATHY, DISTAL, EARLY-ONSET, AUTOSOMAL DOMINANT; MYOPATHY, LATE DISTAL HEREDITARY. Identifiers: Orphanet 59135, MedGen C4552004, MONDO:0008050, OMIM 160500.
Myopathy, myosin storage, autosomal recessive (CMYO7B). Also called: CONGENITAL MYOPATHY 7B, MYOSIN STORAGE, AUTOSOMAL RECESSIVE. Identifiers: Orphanet 636970, MedGen C1850709, MONDO:0009708, OMIM 255160.
Myosin storage myopathy (CMYO7A). Also called: MYOPATHY WITH LYSIS OF TYPE I MYOFIBRILS; MYOPATHY, HYALINE BODY, AUTOSOMAL DOMINANT; MYH7-related late-onset scapuloperoneal muscular dystrophy; Congenital myopathy 7A, myosin storage, autosomal dominant; SCAPULOPERONEAL MUSCULAR DYSTROPHY; SCAPULOPERONEAL SYNDROME, MYOPATHIC TYPE. Identifiers: Orphanet 437572, Orphanet 636965, MedGen C1842160, MONDO:0008409, OMIM 608358.
Dilated cardiomyopathy 1S (CMD1S). Identifiers: Orphanet 154, Orphanet 54260, MedGen C1834481, MONDO:0013262, OMIM 613426.
Hypertrophic cardiomyopathy 1 (CMH1). Also called: MYH7-Related Familial Hypertrophic Cardiomyopathy; Familial hypertrophic cardiomyopathy 1. Identifiers: MedGen C3495498, MONDO:0008647, OMIM 192600.
Congenital myopathy with fiber type disproportion. Also called: Congenital fiber-type disproportion; Congenital fiber-type disproportion myopathy. Identifiers: Orphanet 2020, MedGen C0546264, MONDO:0009711. Inheritance: all.
Cardiomyopathy (CMYO). Also called: Cardiomyopathies. Identifiers: Orphanet 167848, MedGen C0878544, MONDO:0004994, HP:0001638. Inheritance: Various modes of inheritance.
Hypertrophic cardiomyopathy. Also called: HYPERTROPHIC MYOCARDIOPATHY. Identifiers: Orphanet 217569, MedGen C0007194, MeSH D002312, MONDO:0005045, HP:0001639.

Allele frequency attached by ClinVar (database versions not stated): TOPMed below 0.00001; gnomAD exomes 0.00001; ExAC 0.00002.
gnomAD v4.1: 7 of 1,614,176 alleles (0.00043%); highest among the groups gnomAD compares: Non-Finnish European, 0.00059%; no homozygotes.

Submissions (10):

Labcorp Genetics (formerly Invitae), Labcorp
Classification: Uncertain significance for Hypertrophic cardiomyopathy. Last evaluated: 2026-01-19. Review status: criteria provided, single submitter. Criteria: Invitae Variant Classification Sherloc (09022015). Collection method: clinical testing. Allele origin: germline.
Comment: This sequence change replaces threonine, which is neutral and polar, with alanine, which is neutral and non-polar, at codon 544 of the MYH7 protein (p.Thr544Ala). This variant is present in population databases (rs397516119, gnomAD 0.003%). This missense change has been observed in individual(s) with dilated cardiomyopathy (PMID: 24503780, 27532257, 37652022). ClinVar contains an entry for this variant (Variation ID: 42858). Invitae Evidence Modeling of protein sequence and biophysical properties (such as structural, functional, and spatial information, amino acid conservation, physicochemical variation, residue mobility, and thermodynamic stability) indicates that this missense variant is expected to disrupt MYH7 protein function with a positive predictive value of 95%. In summary, the available evidence is currently insufficient to determine the role of this variant in disease. Therefore, it has been classified as a Variant of Uncertain Significance.

Molecular Diagnostic Laboratory for Inherited Cardiovascular Disease, Montreal Heart Institute
Classification: Uncertain significance for Cardiovascular phenotype. Last evaluated: 2025-04-09. Review status: criteria provided, single submitter. Criteria: ACMG Guidelines, 2015. Collection method: clinical testing. Allele origin: germline. Affected: yes.

Blueprint Genetics
Classification: Uncertain significance. Last evaluated: 2024-03-13. Review status: criteria provided, single submitter. Criteria: ACMG Guidelines, 2015. Collection method: clinical testing. Allele origin: germline.

All of Us Research Program, National Institutes of Health
Classification: Uncertain significance for Cardiomyopathy. Last evaluated: 2023-08-15. Review status: criteria provided, single submitter. Criteria: ACMG Guidelines, 2015. Collection method: clinical testing. Allele origin: germline. Inheritance: Autosomal dominant inheritance. Observed: 1 variant allele, 1 heterozygote.
Comment: This missense variant replaces threonine with alanine at codon 544 of the MYH7 protein. Computational prediction suggests that this variant may not impact protein structure and function (internally defined REVEL score threshold <= 0.5, PMID: 27666373). To our knowledge, functional studies have not been reported for this variant. This variant has been reported in an individual affected with dilated cardiomyopathy (PMID: 24503780). This variant has been identified in 3/251454 chromosomes in the general population by the Genome Aggregation Database (gnomAD). The available evidence is insufficient to determine the role of this variant in disease conclusively. Therefore, this variant is classified as a Variant of Uncertain Significance.

This study involves interpretation of variants in research participants for the purpose of population health screening. Participant phenotype was not available at the time of variant classification. Additional details can be found in publication PMID: 35346344, PMCID: PMC8962531

Color Diagnostics, LLC DBA Color Health
Classification: Uncertain significance for Cardiomyopathy. Last evaluated: 2023-08-02. Review status: criteria provided, single submitter. Criteria: ACMG Guidelines, 2015. Collection method: clinical testing. Allele origin: germline.
Comment: This missense variant replaces threonine with alanine at codon 544 of the MYH7 protein. Computational prediction suggests that this variant may not impact protein structure and function (internally defined REVEL score threshold <= 0.5, PMID: 27666373). To our knowledge, functional studies have not been reported for this variant. This variant has been reported in an individual affected with dilated cardiomyopathy (PMID: 24503780). This variant has been identified in 3/251454 chromosomes in the general population by the Genome Aggregation Database (gnomAD). The available evidence is insufficient to determine the role of this variant in disease conclusively. Therefore, this variant is classified as a Variant of Uncertain Significance.

CHEO Genetics Diagnostic Laboratory, Children's Hospital of Eastern Ontario
Classification: Uncertain significance for Cardiomyopathy. Last evaluated: 2023-05-16. Review status: criteria provided, single submitter. Criteria: ACMG Guidelines, 2015. Collection method: clinical testing. Allele origin: germline.

Ambry Genetics
Classification: Uncertain significance for Cardiovascular phenotype. Last evaluated: 2023-03-29. Review status: criteria provided, single submitter. Criteria: Ambry General Variant Classification Scheme_2022. Collection method: clinical testing. Allele origin: germline.
Comment: The p.T544A variant (also known as c.1630A>G), located in coding exon 14 of the MYH7 gene, results from an A to G substitution at nucleotide position 1630. The threonine at codon 544 is replaced by alanine, an amino acid with similar properties. This alteration has been reported in a dilated cardiomyopathy (DCM) cohort; however, clinical details were limited (Pugh TJ et al. Genet Med, 2014 Aug;16:601-8; Walsh R et al. Genet Med, 2017 Feb;19:192-203). This amino acid position is not well conserved in available vertebrate species. In addition, this alteration is predicted to be tolerated by in silico analysis. Since supporting evidence is limited at this time, the clinical significance of this alteration remains unclear.

Fulgent Genetics
Classification: Uncertain significance for MYH7-related skeletal myopathy; Myosin storage myopathy; Hypertrophic cardiomyopathy 1; Myopathy, myosin storage, autosomal recessive; Congenital myopathy 4A, autosomal dominant; Dilated cardiomyopathy 1S. Last evaluated: 2021-10-02. Review status: criteria provided, single submitter. Criteria: ACMG Guidelines, 2015. Collection method: clinical testing. Allele origin: unknown.

Laboratory for Molecular Medicine, Mass General Brigham Personalized Medicine
Classification: Uncertain significance. Last evaluated: 2014-01-19. Review status: criteria provided, single submitter. Criteria: LMM Criteria. Collection method: clinical testing. Allele origin: germline. Observed: 1 variant allele.
Comment: proposed classification - variant undergoing re-assessment, contact laboratory

GeneDx
Classification: Likely pathogenic. Last evaluated: 2023-08-16. Review status: flagged submission. Criteria: GeneDx Variant Classification Process June 2021. Collection method: clinical testing. Allele origin: germline. Affected: yes. Not counted in ClinVar's aggregate classification.
Comment: Not observed at significant frequency in large population cohorts (gnomAD); In silico analysis supports that this missense variant has a deleterious effect on protein structure/function; This variant is associated with the following publications: (PMID: 27532257, 29300372, 24503780)
ClinVar note: Reason: Outlier claim with insufficient supporting evidence

Literature cited by the submitters: PubMed 24503780 (cited by 4 submitters); PubMed 27532257 (cited by Labcorp Genetics (formerly Invitae), Labcorp and Ambry Genetics); PubMed 37652022 (cited by Labcorp Genetics (formerly Invitae), Labcorp).

NM_000257.4(MYH7):c.1630A>G (p.Thr544Ala)

Gene: MYH7 (myosin heavy chain 7; minus strand). Cytogenetic location: 14q11.2.
Variant type: single nucleotide variant.
Coding change: c.1630A>G on transcript NM_000257.4 (MANE Select); coding-DNA position 1630, A replaced by G.
Protein change: p.Thr544Ala; replaces threonine 544 with alanine.
Molecular consequence: missense variant.
Genome position (GRCh38, 1-based): chr14:23,427,843, T>C on the plus strand (A>G on the coding strand, the complement: MYH7 is on the minus strand). VCF-style: chr14-23427843-T-C. GRCh37 (hg19) VCF-style: chr14-23897052-T-C.
Other names: short protein forms T544A.
Identifiers: ClinVar variation 42858 (VCV000042858.28), dbSNP rs397516119, ClinGen allele CA011091.